The following is an entry in ClinVar:

ClinVar aggregate classification (germline): Likely benign. Review status: criteria provided, multiple submitters, no conflicts (2 of 4 stars). 2 submissions from 2 submitters: Likely benign (2). Last evaluated 2025-04-07.

Allele frequency attached by ClinVar (database versions not stated): gnomAD exomes below 0.00001; TOPMed below 0.00001; ExAC 0.00001; gnomAD 0.00001.
gnomAD v4.1: 4 of 1,611,366 alleles (0.00025%); highest among the groups gnomAD compares: Non-Finnish European, 0.00034%; no homozygotes.

Submissions (2):

Labcorp Genetics (formerly Invitae), Labcorp
Classification: Likely benign. Last evaluated: 2025-04-07. Review status: criteria provided, single submitter. Criteria: Invitae Variant Classification Sherloc (09022015). Collection method: clinical testing. Allele origin: germline.

GeneDx
Classification: Likely benign. Last evaluated: 2016-01-26. Review status: criteria provided, single submitter. Criteria: GeneDx Variant Classification (06012015). Collection method: clinical testing. Allele origin: germline. Affected: yes.
Comment: This variant is considered likely benign or benign based on one or more of the following criteria: it is a conservative change, it occurs at a poorly conserved position in the protein, it is predicted to be benign by multiple in silico algorithms, and/or has population frequency not consistent with disease.

NM_006231.4(POLE):c.3061-10C>G

Gene: POLE (DNA polymerase epsilon, catalytic subunit; minus strand). Cytogenetic location: 12q24.33.
Variant type: single nucleotide variant.
Coding change: c.3061-10C>G on transcript NM_006231.4 (MANE Select); 10 bases into the intron before coding-DNA position 3061, C replaced by G.
Molecular consequence: intron variant.
Genome position (GRCh38, 1-based): chr12:132,659,519, G>C on the plus strand (C>G on the coding strand, the complement: POLE is on the minus strand). VCF-style: chr12-132659519-G-C. GRCh37 (hg19) VCF-style: chr12-133236105-G-C.
Identifiers: ClinVar variation 383374 (VCV000383374.5), dbSNP rs750269574, ClinGen allele CA6893366.